The following is an entry in ClinVar:

ClinVar aggregate classification (germline): Uncertain significance. Review status: criteria provided, multiple submitters, no conflicts (2 of 4 stars). 5 submissions from 5 submitters: Uncertain significance (5). Last evaluated 2025-09-11.

Conditions:
Polyps, multiple and recurrent inflammatory fibroid, gastrointestinal. Identifiers: MedGen C5193005, MONDO:0008285, OMIM 175510.
Hereditary cancer-predisposing syndrome. Also called: Neoplastic Syndromes, Hereditary; Hereditary Cancer Syndrome; Hereditary neoplastic syndrome; Tumor predisposition. Identifiers: Orphanet 140162, MedGen C0027672, MeSH D009386, MONDO:0015356.
Gastrointestinal stromal tumor. Also called: Gastrointestinal stromal tumor, somatic; Gastrointestinal stroma tumor. Identifiers: Orphanet 44890, MedGen C0238198, MeSH D046152, MONDO:0011719, OMIM 606764, HP:0100723.

Allele frequency attached by ClinVar (database versions not stated): gnomAD exomes 0.00001.
gnomAD v4.1: 3 of 1,613,802 alleles (0.00019%); highest among the groups gnomAD compares: Non-Finnish European, 0.00025%; no homozygotes.

Submissions (5):

Labcorp Genetics (formerly Invitae), Labcorp
Classification: Uncertain significance for Gastrointestinal stromal tumor. Last evaluated: 2025-09-11. Review status: criteria provided, single submitter. Criteria: Invitae Variant Classification Sherloc (09022015). Collection method: clinical testing. Allele origin: germline.
Comment: This sequence change replaces methionine, which is neutral and non-polar, with isoleucine, which is neutral and non-polar, at codon 642 of the PDGFRA protein (p.Met642Ile). This variant is not present in population databases (gnomAD no frequency). This variant has not been reported in the literature in individuals affected with PDGFRA-related conditions. ClinVar contains an entry for this variant (Variation ID: 459033). Invitae Evidence Modeling of protein sequence and biophysical properties (such as structural, functional, and spatial information, amino acid conservation, physicochemical variation, residue mobility, and thermodynamic stability) indicates that this missense variant is not expected to disrupt PDGFRA protein function with a negative predictive value of 80%. In summary, the available evidence is currently insufficient to determine the role of this variant in disease. Therefore, it has been classified as a Variant of Uncertain Significance.

Ambry Genetics
Classification: Uncertain significance for Hereditary cancer-predisposing syndrome. Last evaluated: 2024-07-17. Review status: criteria provided, single submitter. Criteria: Ambry Variant Classification Scheme 2023. Collection method: clinical testing. Allele origin: germline.
Comment: The p.M642I variant (also known as c.1926G>A), located in coding exon 13 of the PDGFRA gene, results from a G to A substitution at nucleotide position 1926. The methionine at codon 642 is replaced by isoleucine, an amino acid with highly similar properties. This amino acid position is conserved. In addition, this alteration is predicted to be deleterious by in silico analysis. Since supporting evidence is limited at this time, the clinical significance of this alteration remains unclear.

Blueprint Genetics
Classification: Uncertain significance. Last evaluated: 2022-06-14. Review status: criteria provided, single submitter. Criteria: ACMG Guidelines, 2015. Collection method: clinical testing. Allele origin: germline.

Sema4
Classification: Uncertain significance for Hereditary cancer-predisposing syndrome. Last evaluated: 2022-01-21. Review status: criteria provided, single submitter. Criteria: Sema4 Curation Guidelines. Collection method: curation. Allele origin: germline.
Comment: To the best of our knowledge, the PDGFRA c.1926G>A (p.M642I) variant has not been reported in individuals with PDGFRA-related disease. It was not observed in the large and broad cohorts of the Genome Aggregation Database (PMID: 32461654). The variant has been reported in ClinVar (Variation ID 459033). In silico tools suggest the impact of the variant on protein function is deleterious, though these predictions have not been confirmed by functional studies. The evidence is insufficient to meet ACMG/AMP criteria for classifying the variant as benign or pathogenic. Thus, the clinical significance of this variant is currently uncertain.

Institute of Human Genetics, University of Leipzig Medical Center
Classification: Uncertain significance for Polyps, multiple and recurrent inflammatory fibroid, gastrointestinal. Last evaluated: 2019-01-01. Review status: criteria provided, single submitter. Criteria: ACMG Guidelines, 2015. Collection method: clinical testing. Allele origin: unknown. Affected: yes.

NM_006206.6(PDGFRA):c.1926G>A (p.Met642Ile)

Gene: PDGFRA (platelet derived growth factor receptor alpha; plus strand). Cytogenetic location: 4q12.
Variant type: single nucleotide variant.
Coding change: c.1926G>A on transcript NM_006206.6 (MANE Select); coding-DNA position 1926, G replaced by A.
Protein change: p.Met642Ile; replaces methionine 642 with isoleucine.
Molecular consequence: missense variant.
Genome position (GRCh38, 1-based): chr4:54,277,930, G>A. VCF-style: chr4-54277930-G-A. GRCh37 (hg19) VCF-style: chr4-55144097-G-A.
Other names: c.1926G>A, p.Met642Ile (NM_001347827.2, NM_001347829.2); c.2001G>A, p.Met667Ile (NM_001347828.2); c.1965G>A, p.Met655Ile (NM_001347830.2); short protein forms M642I, M655I, M667I.
Identifiers: ClinVar variation 459033 (VCV000459033.14), dbSNP rs1553904882, ClinGen allele CA356893638.